The following is an entry in ClinVar:

ClinVar aggregate classification (germline): Likely benign. Review status: criteria provided, multiple submitters, no conflicts (2 of 4 stars). 3 submissions from 3 submitters: Likely benign (3). Last evaluated 2026-01-05.

Conditions:
Neuronal ceroid lipofuscinosis. Also called: Neuronal Ceroid Lipofuscinoses. Identifiers: Orphanet 216, Orphanet 79263, MedGen C0027877, MONDO:0016295. Disease mechanism: loss of function.

Allele frequency attached by ClinVar (database versions not stated): gnomAD 0.00001; gnomAD exomes 0.00001 and 0.00004; TOPMed 0.00002; ExAC 0.00006; ESP Exome Variant Server 0.00015.
gnomAD v4.1: 22 of 1,608,072 alleles (0.0014%); highest among the groups gnomAD compares: Non-Finnish European, 0.0019%; no homozygotes.

Submissions (3):

Labcorp Genetics (formerly Invitae), Labcorp
Classification: Likely benign for Neuronal ceroid lipofuscinosis. Last evaluated: 2026-01-05. Review status: criteria provided, single submitter. Criteria: Invitae Variant Classification Sherloc (09022015). Collection method: clinical testing. Allele origin: germline.

Blueprint Genetics
Classification: Likely benign. Last evaluated: 2024-11-06. Review status: criteria provided, single submitter. Criteria: ACMG Guidelines, 2015. Collection method: clinical testing. Allele origin: germline.

GeneDx
Classification: Likely benign. Last evaluated: 2016-10-17. Review status: criteria provided, single submitter. Criteria: GeneDx Variant Classification (06012015). Collection method: clinical testing. Allele origin: germline. Affected: yes.
Comment: This variant is considered likely benign or benign based on one or more of the following criteria: it is a conservative change, it occurs at a poorly conserved position in the protein, it is predicted to be benign by multiple in silico algorithms, and/or has population frequency not consistent with disease.

NM_001042432.2(CLN3):c.533+18G>A

Gene: CLN3 (CLN3 lysosomal/endosomal transmembrane protein, battenin; minus strand). Cytogenetic location: 16p12.1.
Variant type: single nucleotide variant.
Coding change: c.533+18G>A on transcript NM_001042432.2 (MANE Select); 18 bases into the intron after coding-DNA position 533, G replaced by A.
Molecular consequence: intron variant.
Genome position (GRCh38, 1-based): chr16:28,486,560, C>T on the plus strand (G>A on the coding strand, the complement: CLN3 is on the minus strand). VCF-style: chr16-28486560-C-T. GRCh37 (hg19) VCF-style: chr16-28497881-C-T.
Other names: c.299+18G>A (NM_001286109.2); c.461+18G>A (NM_001286104.2); c.233+18G>A (NM_001286105.2); c.371+18G>A (NM_001286110.2); c.533+18G>A (NM_000086.2).
Identifiers: ClinVar variation 389859 (VCV000389859.9), dbSNP rs376160790, ClinGen allele CA7980896.